The following is an entry in ClinVar:

ClinVar aggregate classification (germline): Uncertain significance (1 of 4 stars; one submission).

Allele frequency attached by ClinVar (database versions not stated): TOPMed below 0.00001; ExAC 0.00001; gnomAD 0.00001; gnomAD exomes 0.00001.
gnomAD v4.1: 18 of 1,445,258 alleles (0.0012%); highest among the groups gnomAD compares: East Asian, 0.0091%; no homozygotes.

Submission:

Labcorp Genetics (formerly Invitae), Labcorp
Classification: Uncertain significance. Last evaluated: 2023-09-08. Review status: criteria provided, single submitter. Criteria: Invitae Variant Classification Sherloc (09022015). Collection method: clinical testing. Allele origin: germline.
Comment: This sequence change falls in intron 5 of the MYO6 gene. It does not directly change the encoded amino acid sequence of the MYO6 protein. This variant is present in population databases (rs756460203, gnomAD 0.01%). In summary, the available evidence is currently insufficient to determine the role of this variant in disease. Therefore, it has been classified as a Variant of Uncertain Significance. Algorithms developed to predict the effect of sequence changes on RNA splicing suggest that this variant may create or strengthen a splice site. This variant has not been reported in the literature in individuals affected with MYO6-related conditions.

NM_004999.4(MYO6):c.392-20A>G

Gene: MYO6 (myosin VI; plus strand). Cytogenetic location: 6q14.1.
Variant type: single nucleotide variant.
Coding change: c.392-20A>G on transcript NM_004999.4 (MANE Select); 20 bases into the intron before coding-DNA position 392, A replaced by G.
Molecular consequence: intron variant.
Genome position (GRCh38, 1-based): chr6:75,832,822, A>G. VCF-style: chr6-75832822-A-G. GRCh37 (hg19) VCF-style: chr6-76542539-A-G.
Other names: c.392-20A>G (NM_001368865.1, NM_001368866.1, NM_001368137.1 and 5 more transcripts).
Identifiers: ClinVar variation 2704534 (VCV002704534.3), dbSNP rs756460203, ClinGen allele CA3896835.